The following is an entry in ClinVar:

NM_000238.4(KCNH2):c.3226C>T (p.Pro1076Ser)

Gene: KCNH2 (potassium voltage-gated channel subfamily H member 2; minus strand). Cytogenetic location: 7q36.1.
Variant type: single nucleotide variant.
Coding change: c.3226C>T on transcript NM_000238.4 (MANE Select); coding-DNA position 3226, C replaced by T.
Protein change: p.Pro1076Ser; replaces proline 1076 with serine.
Molecular consequence: missense variant. On other transcripts: non-coding transcript variant (2).
Genome position (GRCh38, 1-based): chr7:150,946,981, G>A on the plus strand (C>T on the coding strand, the complement: KCNH2 is on the minus strand). VCF-style: chr7-150946981-G-A. GRCh37 (hg19) VCF-style: chr7-150644069-G-A.
Other names: c.2938C>T, p.Pro980Ser (NM_001406753.1); c.2206C>T, p.Pro736Ser (NM_172057.3); short protein forms P1076S, P736S, P980S.
Identifiers: ClinVar variation 5036911 (VCV005036911.1).

ClinVar aggregate classification (germline): Uncertain significance (1 of 4 stars; one submission).

gnomAD v4.1: 1 of 1,610,362 alleles (0.000062%); highest among the groups gnomAD compares: Non-Finnish European, 0.000085%; no homozygotes.

Submission:

GeneDx
Classification: Uncertain significance. Last evaluated: 2026-04-18. Review status: criteria provided, single submitter. Criteria: GeneDx Variant Classification Process June 2021. Collection method: clinical testing. Allele origin: germline.
Comment: Not observed at significant frequency in large population cohorts (gnomAD); In silico analysis supports that this missense variant has a deleterious effect on protein structure/function; Has not been previously published as pathogenic or benign to our knowledge